The following is an entry in ClinVar:

ClinVar aggregate classification (germline): Likely benign (0 of 4 stars; one submission).

Conditions:
F7-related disorder. Also called: F7-related condition.

Allele frequency attached by ClinVar (database versions not stated): TOPMed 0.00001; ExAC 0.00086; gnomAD 0.00007; 1000 Genomes Project 30x 0.00047; 1000 Genomes Project 0.00060.

Submission:

PreventionGenetics, part of Exact Sciences
Classification: Likely benign for F7-related condition. Last evaluated: 2019-04-04. Review status: no assertion criteria provided. Collection method: clinical testing. Allele origin: germline.
Comment: This variant is classified as likely benign based on ACMG/AMP sequence variant interpretation guidelines (Richards et al. 2015 PMID: 25741868, with internal and published modifications).

NM_019616.4(F7):c.-44T>C

Gene: F7 (coagulation factor VII; plus strand). Cytogenetic location: 13q34.
Variant type: single nucleotide variant.
Coding change: c.-44T>C on transcript NM_019616.4 (MANE Select); 44 bases upstream of the start codon, T replaced by C.
Molecular consequence: 5 prime UTR variant. On other transcripts: non-coding transcript variant (1).
Genome position (GRCh38, 1-based): chr13:113,105,798, T>C. VCF-style: chr13-113105798-T-C. GRCh37 (hg19) VCF-style: chr13-113760112-T-C.
Other names: c.-44T>C (NM_000131.5, NM_001267554.2).
Identifiers: ClinVar variation 3050317 (VCV003050317.2), dbSNP rs577393666, ClinGen allele CA7059793.
Genomic context (GRCh38, chr13:113,105,798, plus strand): 5'-CCTCCCCTCCCCCATCCCTCTGTCACCCTTGGAGGCAGAGAACTTTGCCCGTCAGTCCCA[T>C]GGGGAATGTCAACAGGCAGGGGCAGCACTGCAGAGATTTCATCATGGTCTCCCAGGCCCT-3'